The following is an entry in ClinVar:

NM_006096.4(NDRG1):c.426C>T (p.Gly142=)

Gene: NDRG1 (N-myc downstream regulated 1; minus strand). Cytogenetic location: 8q24.22.
Variant type: single nucleotide variant.
Coding change: c.426C>T on transcript NM_006096.4 (MANE Select); coding-DNA position 426, C replaced by T.
Protein change: p.Gly142=; no amino-acid change (glycine 142 retained).
Molecular consequence: synonymous variant.
Genome position (GRCh38, 1-based): chr8:133,258,390, G>A on the plus strand (C>T on the coding strand, the complement: NDRG1 is on the minus strand). VCF-style: chr8-133258390-G-A. GRCh37 (hg19) VCF-style: chr8-134270633-G-A.
Other names: c.426C>T, p.Gly142= (NM_001135242.2, NM_001374844.1, NM_001374845.1 and 1 more transcripts); c.228C>T, p.Gly76= (NM_001258432.2, NM_001374847.1); c.183C>T, p.Gly61= (NM_001258433.2).
Identifiers: ClinVar variation 649845 (VCV000649845.9), dbSNP rs370604799, ClinGen allele CA4886757.

ClinVar aggregate classification (germline): Likely benign. Review status: criteria provided, multiple submitters, no conflicts (2 of 4 stars). 3 submissions from 3 submitters: Likely benign (2). 1 of the submissions does not count toward it. Last evaluated 2025-07-28.

Conditions:
NDRG1-related disorder. Also called: NDRG1-related condition.
Charcot-Marie-Tooth disease type 4. Also called: Charcot-Marie-Tooth, Type 4; Charcot-Marie-Tooth disease, type IV. Identifiers: Orphanet 64749, MedGen C4082197, MONDO:0018995.
Charcot-Marie-Tooth disease type 4D. Also called: Charcot-Marie-Tooth Neuropathy Type 4D; CHARCOT-MARIE-TOOTH DISEASE, DEMYELINATING, TYPE 4D; CHARCOT-MARIE-TOOTH DISEASE, DEMYELINATING, AUTOSOMAL RECESSIVE, TYPE 4D; NEUROPATHY, HEREDITARY MOTOR AND SENSORY, LOM TYPE. Identifiers: Orphanet 99950, MedGen C1832334, MONDO:0011085, OMIM 601455.

Allele frequency attached by ClinVar (database versions not stated): gnomAD exomes below 0.00001 and 0.00001; ExAC 0.00001; ESP Exome Variant Server 0.00008.

Submissions (4):

Labcorp Genetics (formerly Invitae), Labcorp
Classification: Likely benign for Charcot-Marie-Tooth disease type 4. Last evaluated: 2025-07-28. Review status: criteria provided, single submitter. Criteria: Invitae Variant Classification Sherloc (09022015). Collection method: clinical testing. Allele origin: germline.

PreventionGenetics, part of Exact Sciences
Classification: Likely benign for NDRG1-related condition. Last evaluated: 2025-05-02. Review status: criteria provided, single submitter. Criteria: ACMG Guidelines, 2015. Collection method: clinical testing. Allele origin: germline.
Comment: This variant is classified as likely benign based on ACMG/AMP sequence variant interpretation guidelines (Richards et al. 2015 PMID: 25741868, with internal and published modifications).

Natera, Inc.
Classification: Uncertain significance for Charcot-Marie-Tooth disease type 4D. Last evaluated: 2021-01-14. Review status: no assertion criteria provided. Collection method: clinical testing. Allele origin: germline. Not counted in ClinVar's aggregate classification.

Dr. Peter K. Rogan Lab, Western University
No classification provided (evidence only). Condition: Familial cancer of breast. Review status: no classification provided. Collection method: in vitro. Allele origin: not applicable. Functional consequence: retained intron. Not counted in ClinVar's aggregate classification.